The following is an entry in ClinVar:

NM_000069.3(CACNA1S):c.4546G>T (p.Asp1516Tyr)

Gene: CACNA1S (calcium voltage-gated channel subunit alpha1 S; minus strand). Cytogenetic location: 1q32.1.
Variant type: single nucleotide variant.
Coding change: c.4546G>T on transcript NM_000069.3 (MANE Select); coding-DNA position 4546, G replaced by T.
Protein change: p.Asp1516Tyr; replaces aspartic acid 1516 with tyrosine.
Molecular consequence: missense variant.
Genome position (GRCh38, 1-based): chr1:201,047,237, C>A on the plus strand (G>T on the coding strand, the complement: CACNA1S is on the minus strand). VCF-style: chr1-201047237-C-A. GRCh37 (hg19) VCF-style: chr1-201016365-C-A.
Other names: short protein forms D1516Y.
Identifiers: ClinVar variation 4757951 (VCV004757951.1).

ClinVar aggregate classification (germline): Uncertain significance (1 of 4 stars; one submission).

Conditions:
Malignant hyperthermia, susceptibility to, 5 (MHS5). Also called: CACNA1S-Related Malignant Hyperthermia Susceptibility. Identifiers: Orphanet 423, MedGen C1866077, MONDO:0011163, OMIM 601887.

Submission:

Color Diagnostics, LLC DBA Color Health
Classification: Uncertain significance for Malignant hyperthermia, susceptibility to, 5. Last evaluated: 2025-08-25. Review status: criteria provided, single submitter. Criteria: ACMG Guidelines, 2015. Collection method: clinical testing. Allele origin: germline.
Comment: This missense variant replaces aspartic acid with tyrosine at codon 1516 of the CACNA1S protein. Computational prediction is inconclusive regarding the impact of this variant on protein structure and function. To our knowledge, functional studies have not been reported for this variant. This variant has not been reported in individuals affected with CACNA1S-related disorders in the literature. This variant has not been identified in the general population by the Genome Aggregation Database (gnomAD). The available evidence is insufficient to determine the role of this variant in disease conclusively. Therefore, this variant is classified as a Variant of Uncertain Significance.